The following is an entry in ClinVar:

ClinVar aggregate classification (germline): Uncertain significance. Review status: criteria provided, multiple submitters, no conflicts (2 of 4 stars). 2 submissions from 2 submitters: Uncertain significance (2). Last evaluated 2021-12-01.

Conditions:
Epidermodysplasia verruciformis. Identifiers: Orphanet 302, MedGen C0014522, MONDO:0009176.

Allele frequency attached by ClinVar (database versions not stated): gnomAD exomes below 0.00001; ExAC 0.00001; gnomAD 0.00001.
gnomAD v4.1: 11 of 1,613,662 alleles (0.00068%); highest among the groups gnomAD compares: Middle Eastern, 0.033%; no homozygotes.

Submissions (2):

Labcorp Genetics (formerly Invitae), Labcorp
Classification: Uncertain significance for Epidermodysplasia verruciformis. Last evaluated: 2021-12-01. Review status: criteria provided, single submitter. Criteria: Invitae Variant Classification Sherloc (09022015). Collection method: clinical testing. Allele origin: germline.
Comment: In summary, the available evidence is currently insufficient to determine the role of this variant in disease. Therefore, it has been classified as a Variant of Uncertain Significance. Algorithms developed to predict the effect of missense changes on protein structure and function are either unavailable or do not agree on the potential impact of this missense change (SIFT: "Tolerated"; PolyPhen-2: "Probably Damaging"; Align-GVGD: "Class C0"). This variant has not been reported in the literature in individuals affected with TMC8-related conditions. This variant is present in population databases (rs759778569, gnomAD 0.0009%). This sequence change replaces leucine, which is neutral and non-polar, with phenylalanine, which is neutral and non-polar, at codon 206 of the TMC8 protein (p.Leu206Phe).

Breakthrough Genomics
Classification: Uncertain significance. Review status: criteria provided, single submitter. Criteria: ACMG Guidelines, 2015. Collection method: not provided. Allele origin: germline. Inheritance: Autosomal recessive inheritance. Affected: yes.

NM_152468.5(TMC8):c.616C>T (p.Leu206Phe)

Gene: TMC8 (transmembrane channel like 8; plus strand). Cytogenetic location: 17q25.3.
Variant type: single nucleotide variant.
Coding change: c.616C>T on transcript NM_152468.5 (MANE Select); coding-DNA position 616, C replaced by T.
Protein change: p.Leu206Phe; replaces leucine 206 with phenylalanine.
Molecular consequence: missense variant.
Genome position (GRCh38, 1-based): chr17:78,133,490, C>T. VCF-style: chr17-78133490-C-T. GRCh37 (hg19) VCF-style: chr17-76129571-C-T.
Other names: short protein forms L206F.
Identifiers: ClinVar variation 1507452 (VCV001507452.7), dbSNP rs759778569, ClinGen allele CA8796535.
Genomic context (GRCh38, chr17:78,133,490, plus strand): 5'-TACGGTGCGTACCGAGTGGGGCCGGAGAGCAGCTCCGTGTACAGCATCCGCCTGGCCTAC[C>T]TCCTCAGCCCGCTGGCCTGCCTGCTCCTCTGCTTCTGTGGGACTCTGCGGCGGTGAGAGC-3'
Protein context (NP_689681.2, residues 196-216): SSVYSIRLAY[Leu206Phe]LSPLACLLLC